The following is an entry in ClinVar:

NM_001040108.2(MLH3):c.3544A>G (p.Thr1182Ala)

Gene: MLH3 (mutL homolog 3; minus strand). Cytogenetic location: 14q24.3.
Variant type: single nucleotide variant.
Coding change: c.3544A>G on transcript NM_001040108.2 (MANE Select); coding-DNA position 3544, A replaced by G.
Protein change: p.Thr1182Ala; replaces threonine 1182 with alanine.
Molecular consequence: missense variant.
Genome position (GRCh38, 1-based): chr14:75,039,937, T>C on the plus strand (A>G on the coding strand, the complement: MLH3 is on the minus strand). VCF-style: chr14-75039937-T-C. GRCh37 (hg19) VCF-style: chr14-75506640-T-C.
Other names: c.3544A>G, p.Thr1182Ala (NM_014381.3); short protein forms T1182A.
Identifiers: ClinVar variation 4552135 (VCV004552135.1).

ClinVar aggregate classification (germline): Uncertain significance (1 of 4 stars; one submission).

gnomAD v4.1: 8 of 1,577,218 alleles (0.00051%); highest among the groups gnomAD compares: Non-Finnish European, 0.00069%; no homozygotes.

Submission:

Ambry Genetics
Classification: Uncertain significance. Last evaluated: 2025-12-11. Review status: criteria provided, single submitter. Criteria: Ambry Variant Classification Scheme 2023. Collection method: clinical testing. Allele origin: germline.
Comment: The p.T1182A variant (also known as c.3544A>G), located in coding exon 4 of the MLH3 gene, results from an A to G substitution at nucleotide position 3544. The threonine at codon 1182 is replaced by alanine, an amino acid with similar properties. This amino acid position is conserved. In addition, the in silico prediction for this alteration is inconclusive. Based on the available evidence, the clinical significance of this variant remains unclear.